The following is an entry in ClinVar:

ClinVar aggregate classification (germline): Pathogenic (0 of 4 stars; one submission).

Conditions:
Wiskott-Aldrich syndrome (WAS). Also called: WISKOTT-ALDRICH SYNDROME 1; Wiskott-aldrich syndrome, somatic; ALDRICH SYNDROME; IMMUNODEFICIENCY 2. Identifiers: Orphanet 906, MedGen C0043194, MONDO:0010518, OMIM 301000.

Submission:

San Raffaele Telethon Institute for Gene Therapy, San Raffaele Hospital
Classification: Pathogenic for WISKOTT-ALDRICH SYNDROME. Last evaluated: 2015-02-20. Review status: no assertion criteria provided. Collection method: clinical testing. Allele origin: maternal. Affected: yes.
Comment: X-linked recessive immunodeficiency characterized by thrombocytopenia, eczema, and recurrent infections

Literature cited by the submitters: PubMed 30981783.

NC_000023.11:g.48681722_48688043inv

Gene: WAS (WASP actin nucleation promoting factor; plus strand). Cytogenetic location: Xp11.23.
Variant type: Inversion.
Genome position: GRCh38: chrX:48,681,722-48,688,043. GRCh37 (hg19): chrX:48,540,111-48,546,432.
Identifiers: ClinVar variation 638576 (VCV000638576.2), ClinGen allele CA915951079.